The following is an entry in ClinVar:

ClinVar aggregate classification (germline): Uncertain significance (1 of 4 stars; one submission).

Submission:

Labcorp Genetics (formerly Invitae), Labcorp
Classification: Uncertain significance. Last evaluated: 2022-01-13. Review status: criteria provided, single submitter. Criteria: Invitae Variant Classification Sherloc (09022015). Collection method: clinical testing. Allele origin: germline.
Comment: This variant has not been reported in the literature in individuals affected with TMTC3-related conditions. Variants that disrupt the consensus splice site are a relatively common cause of aberrant splicing (PMID: 17576681, 9536098). Algorithms developed to predict the effect of sequence changes on RNA splicing suggest that this variant may disrupt the consensus splice site. In summary, the available evidence is currently insufficient to determine the role of this variant in disease. Therefore, it has been classified as a Variant of Uncertain Significance. This sequence change falls in intron 5 of the TMTC3 gene. It does not directly change the encoded amino acid sequence of the TMTC3 protein. It affects a nucleotide within the consensus splice site. This variant is not present in population databases (gnomAD no frequency).

Literature cited by the submitters: PubMed 17576681; PubMed 9536098.

NM_181783.4(TMTC3):c.624+5G>A

Gene: TMTC3 (transmembrane O-mannosyltransferase targeting cadherins 3; plus strand). Cytogenetic location: 12q21.32.
Variant type: single nucleotide variant.
Coding change: c.624+5G>A on transcript NM_181783.4 (MANE Select); 5 bases into the intron after coding-DNA position 624, G replaced by A.
Molecular consequence: intron variant.
Genome position (GRCh38, 1-based): chr12:88,160,234, G>A. VCF-style: chr12-88160234-G-A. GRCh37 (hg19) VCF-style: chr12-88554011-G-A.
Other names: c.405+5G>A (NM_001366579.1); c.444+5G>A (NM_001366574.1); c.357+5G>A (NM_001366580.1); c.-70+5G>A (NM_001366583.1).
Identifiers: ClinVar variation 1464847 (VCV001464847.6), dbSNP rs2138381465, ClinGen allele CA2573149042.
Genomic context (GRCh38, chr12:88,160,234, plus strand): 5'-AAGGAATAACAGTTGTAGGAATTTGCTGTGTGTATGAAGTGTTTATTGCCCAGGGGGTAA[G>A]CCAAACTATAAATATATAAATTTTCTTATTGATATATTTTATCCTAGTTGAATCAAATTT-3'